The following is an entry in ClinVar:

NM_000287.4(PEX6):c.2327T>C (p.Met776Thr)

Gene: PEX6 (peroxisomal biogenesis factor 6; minus strand). Cytogenetic location: 6p21.1.
Variant type: single nucleotide variant.
Coding change: c.2327T>C on transcript NM_000287.4 (MANE Select); coding-DNA position 2327, T replaced by C.
Protein change: p.Met776Thr; replaces methionine 776 with threonine.
Molecular consequence: missense variant.
Genome position (GRCh38, 1-based): chr6:42,966,079, A>G on the plus strand (T>C on the coding strand, the complement: PEX6 is on the minus strand). VCF-style: chr6-42966079-A-G. GRCh37 (hg19) VCF-style: chr6-42933817-A-G.
Other names: c.2063T>C, p.Met688Thr (NM_001316313.2); short protein forms M776T, M688T.
Identifiers: ClinVar variation 1402147 (VCV001402147.5), dbSNP rs2114239270, ClinGen allele CA364151922.

ClinVar aggregate classification (germline): Uncertain significance (1 of 4 stars; one submission).

Conditions:
Peroxisome biogenesis disorder. Identifiers: Orphanet 79189, MedGen C1832200, MONDO:0019234. Disease mechanism: loss of function.

Submission:

Labcorp Genetics (formerly Invitae), Labcorp
Classification: Uncertain significance for Peroxisome biogenesis disorder. Last evaluated: 2022-03-04. Review status: criteria provided, single submitter. Criteria: Invitae Variant Classification Sherloc (09022015). Collection method: clinical testing. Allele origin: germline.
Comment: This sequence change replaces methionine, which is neutral and non-polar, with threonine, which is neutral and polar, at codon 776 of the PEX6 protein (p.Met776Thr). This variant is not present in population databases (gnomAD no frequency). This variant has not been reported in the literature in individuals affected with PEX6-related conditions. Algorithms developed to predict the effect of missense changes on protein structure and function are either unavailable or do not agree on the potential impact of this missense change (SIFT: "Deleterious"; PolyPhen-2: "Probably Damaging"; Align-GVGD: "Class C0"). In summary, the available evidence is currently insufficient to determine the role of this variant in disease. Therefore, it has been classified as a Variant of Uncertain Significance.